The following is an entry in ClinVar:

NM_001166114.2(PNPLA6):c.3992A>T (p.Glu1331Val)

Gene: PNPLA6 (patatin like domain 6, lysophospholipase; plus strand). Cytogenetic location: 19p13.2.
Variant type: single nucleotide variant.
Coding change: c.3992A>T on transcript NM_001166114.2 (MANE Select); coding-DNA position 3992, A replaced by T.
Protein change: p.Glu1331Val; replaces glutamic acid 1331 with valine.
Molecular consequence: missense variant.
Genome position (GRCh38, 1-based): chr19:7,561,286, A>T. VCF-style: chr19-7561286-A-T. GRCh37 (hg19) VCF-style: chr19-7626172-A-T.
Other names: c.4022A>T, p.Glu1341Val (NM_001166111.2); c.3797A>T, p.Glu1266Val (NM_001166112.2); c.3878A>T, p.Glu1293Val (NM_001166113.1, NM_006702.5); short protein forms E1293V, E1331V, E1266V, E1341V.
Identifiers: ClinVar variation 1440382 (VCV001440382.6), dbSNP rs771807857, ClinGen allele CA9140660.
Genomic context (GRCh38, chr19:7,561,286, plus strand): 5'-TGACAGAGTATGAGGAGGACGCCGGACCCGACTGCTCGAGGGATGAAGGGGGGTCCCCCG[A>T]GGGCGCAAGCCCCAGCACTGCCTCCGAGATGGTGAGAGTGGGTGGCCCAGGGTCCCCTCA-3'
Protein context (NP_001159586.1, residues 1321-1341): DCSRDEGGSP[Glu1331Val]GASPSTASEM

ClinVar aggregate classification (germline): Uncertain significance (1 of 4 stars; one submission).

Conditions:
Hereditary spastic paraplegia 39 (SPG39). Also called: Spastic Paraplegia Type 39 (SPG39); SPASTIC PARAPLEGIA 39, AUTOSOMAL RECESSIVE. Identifiers: Orphanet 139480, MedGen C2677586, MONDO:0012787, OMIM 612020.

Allele frequency attached by ClinVar (database versions not stated): gnomAD 0.00001; gnomAD exomes 0.00001; ExAC 0.00002.
gnomAD v4.1: 7 of 1,608,356 alleles (0.00044%); highest among the groups gnomAD compares: South Asian, 0.0078%; no homozygotes.

Submission:

Labcorp Genetics (formerly Invitae), Labcorp
Classification: Uncertain significance for Hereditary spastic paraplegia 39. Last evaluated: 2022-02-04. Review status: criteria provided, single submitter. Criteria: Invitae Variant Classification Sherloc (09022015). Collection method: clinical testing. Allele origin: germline.
Comment: This variant has not been reported in the literature in individuals affected with PNPLA6-related conditions. In summary, the available evidence is currently insufficient to determine the role of this variant in disease. Therefore, it has been classified as a Variant of Uncertain Significance. Algorithms developed to predict the effect of missense changes on protein structure and function (SIFT, PolyPhen-2, Align-GVGD) all suggest that this variant is likely to be tolerated. This variant is present in population databases (rs771807857, gnomAD 0.007%). This sequence change replaces glutamic acid, which is acidic and polar, with valine, which is neutral and non-polar, at codon 1293 of the PNPLA6 protein (p.Glu1293Val).